The following is an entry in ClinVar:

NM_025099.6(CTC1):c.3409C>T (p.Pro1137Ser)

Gene: CTC1 (CST telomere replication complex component 1; minus strand). Cytogenetic location: 17p13.1.
Variant type: single nucleotide variant.
Coding change: c.3409C>T on transcript NM_025099.6 (MANE Select); coding-DNA position 3409, C replaced by T.
Protein change: p.Pro1137Ser; replaces proline 1137 with serine.
Molecular consequence: missense variant. On other transcripts: non-coding transcript variant (1).
Genome position (GRCh38, 1-based): chr17:8,228,608, G>A on the plus strand (C>T on the coding strand, the complement: CTC1 is on the minus strand). VCF-style: chr17-8228608-G-A. GRCh37 (hg19) VCF-style: chr17-8131926-G-A.
Other names: short protein forms P1137S.
Identifiers: ClinVar variation 1413226 (VCV001413226.6), dbSNP rs2151498057, ClinGen allele CA397968817.

ClinVar aggregate classification (germline): Uncertain significance (1 of 4 stars; one submission).

Conditions:
Dyskeratosis congenita. Identifiers: Orphanet 1775, MedGen C0265965, MONDO:0015780.

Submission:

Labcorp Genetics (formerly Invitae), Labcorp
Classification: Uncertain significance for Dyskeratosis congenita. Last evaluated: 2023-08-04. Review status: criteria provided, single submitter. Criteria: Invitae Variant Classification Sherloc (09022015). Collection method: clinical testing. Allele origin: germline.
Comment: In summary, the available evidence is currently insufficient to determine the role of this variant in disease. Therefore, it has been classified as a Variant of Uncertain Significance. This sequence change replaces proline, which is neutral and non-polar, with serine, which is neutral and polar, at codon 1137 of the CTC1 protein (p.Pro1137Ser). This variant is not present in population databases (gnomAD no frequency). This variant has not been reported in the literature in individuals affected with CTC1-related conditions. ClinVar contains an entry for this variant (Variation ID: 1413226). Algorithms developed to predict the effect of missense changes on protein structure and function output the following: SIFT: "Not Available"; PolyPhen-2: "Benign"; Align-GVGD: "Not Available". The serine amino acid residue is found in multiple mammalian species, which suggests that this missense change does not adversely affect protein function.